The following is an entry in ClinVar:

ClinVar aggregate classification (germline): Uncertain significance. Review status: criteria provided, multiple submitters, no conflicts (2 of 4 stars). 3 submissions from 3 submitters: Uncertain significance (3). Last evaluated 2026-04-23.

Allele frequency attached by ClinVar (database versions not stated): gnomAD exomes below 0.00001; TOPMed below 0.00001; ExAC 0.00002; ESP Exome Variant Server 0.00008.
gnomAD v4.1: 7 of 1,614,044 alleles (0.00043%); highest among the groups gnomAD compares: Admixed American, 0.005%; no homozygotes.

Submissions (3):

GeneDx
Classification: Uncertain significance. Last evaluated: 2026-04-23. Review status: criteria provided, single submitter. Criteria: GeneDx Variant Classification Process June 2021. Collection method: clinical testing. Allele origin: germline.
Comment: In silico analysis suggests that this missense variant does not alter protein structure/function; Has not been previously published as pathogenic or benign to our knowledge

Labcorp Genetics (formerly Invitae), Labcorp
Classification: Uncertain significance. Last evaluated: 2024-04-05. Review status: criteria provided, single submitter. Criteria: Invitae Variant Classification Sherloc (09022015). Collection method: clinical testing. Allele origin: germline.
Comment: This sequence change replaces alanine, which is neutral and non-polar, with valine, which is neutral and non-polar, at codon 5183 of the USH2A protein (p.Ala5183Val). This variant is present in population databases (rs368692950, gnomAD 0.01%). This variant has not been reported in the literature in individuals affected with USH2A-related conditions. ClinVar contains an entry for this variant (Variation ID: 2067080). Advanced modeling of protein sequence and biophysical properties (such as structural, functional, and spatial information, amino acid conservation, physicochemical variation, residue mobility, and thermodynamic stability) performed at Invitae indicates that this missense variant is not expected to disrupt USH2A protein function with a negative predictive value of 95%. In summary, the available evidence is currently insufficient to determine the role of this variant in disease. Therefore, it has been classified as a Variant of Uncertain Significance.

Blueprint Genetics
Classification: Uncertain significance. Last evaluated: 2019-11-05. Review status: criteria provided, single submitter. Criteria: ACMG Guidelines, 2015. Collection method: clinical testing. Allele origin: germline.

NM_206933.4(USH2A):c.15548C>T (p.Ala5183Val)

Gene: USH2A (usherin; minus strand). Cytogenetic location: 1q41.
Variant type: single nucleotide variant.
Coding change: c.15548C>T on transcript NM_206933.4 (MANE Select); coding-DNA position 15548, C replaced by T.
Protein change: p.Ala5183Val; replaces alanine 5183 with valine.
Molecular consequence: missense variant.
Genome position (GRCh38, 1-based): chr1:215,625,842, G>A on the plus strand (C>T on the coding strand, the complement: USH2A is on the minus strand). VCF-style: chr1-215625842-G-A. GRCh37 (hg19) VCF-style: chr1-215799184-G-A.
Other names: c.15548C>T (NM_206933.2); short protein forms A5183V.
Identifiers: ClinVar variation 2067080 (VCV002067080.5), dbSNP rs368692950, ClinGen allele CA1392625.
Genomic context (GRCh38, chr1:215,625,842, plus strand): 5'-TACAGGTGGGTGTCTGTGAATGTGGTGCGTTCCTTAGTCACTGAGCTGAAATCCTTGATG[G>A]CGTTCATCAGGTCCTCTTCATCCACATACTGAAAAATAAGCCAATCATCATTGGCTACAT-3'
Protein context (NP_996816.3, residues 5173-5193): LYVDEEDLMN[Ala5183Val]IKDFSSVTKE